The following is an entry in ClinVar:

NM_025216.3(WNT10A):c.956C>A (p.Ser319Ter)

Gene: WNT10A (Wnt family member 10A; plus strand). Cytogenetic location: 2q35.
Variant type: single nucleotide variant.
Coding change: c.956C>A on transcript NM_025216.3 (MANE Select); coding-DNA position 956, C replaced by A.
Protein change: p.Ser319Ter; replaces serine 319 with a stop codon.
Molecular consequence: nonsense.
Genome position (GRCh38, 1-based): chr2:218,892,973, C>A. VCF-style: chr2-218892973-C-A. GRCh37 (hg19) VCF-style: chr2-219757695-C-A.
Other names: short protein forms S319*.
Identifiers: ClinVar variation 2953659 (VCV002953659.3), dbSNP rs2469037067, ClinGen allele CA350590362.
Genomic context (GRCh38, chr2:218,892,973, plus strand): 5'-TCATCCGGCCGCACAACCGCAACGGCGGCCAGCTGGAGCCGGGCCCAGCGGGGGCACCCT[C>A]GCCGGCTCCGGGCGCTCCCGGGCCGCGCCGACGGGCCAGCCCCGCCGACCTGGTCTACTT-3'

ClinVar aggregate classification (germline): Pathogenic (1 of 4 stars; one submission).

Conditions:
Tooth agenesis, selective, 4 (STHAG4). Also called: SUCCEDANEOUS TEETH, AGENESIS OF; TOOTH AGENESIS, SELECTIVE, 4, WITH OR WITHOUT ECTODERMAL DYSPLASIA; LATERAL INCISORS, ABSENCE OF; LATERAL INCISORS, PEGGED OR MISSING. Identifiers: Orphanet 99798, MedGen C1835492, MONDO:0007881, OMIM 150400. Disease mechanism: loss of function.
Odonto-onycho-dermal dysplasia. Identifiers: Orphanet 2721, MedGen C0796093, MONDO:0009773, OMIM 257980.

Submission:

Labcorp Genetics (formerly Invitae), Labcorp
Classification: Pathogenic for Tooth agenesis, selective, 4; Odonto-onycho-dermal dysplasia. Last evaluated: 2023-12-26. Review status: criteria provided, single submitter. Criteria: Invitae Variant Classification Sherloc (09022015). Collection method: clinical testing. Allele origin: germline.
Comment: This sequence change creates a premature translational stop signal (p.Ser319*) in the WNT10A gene. While this is not anticipated to result in nonsense mediated decay, it is expected to disrupt the last 99 amino acid(s) of the WNT10A protein. This variant is not present in population databases (gnomAD no frequency). This variant has not been reported in the literature in individuals affected with WNT10A-related conditions. This variant disrupts a region of the WNT10A protein in which other variant(s) (p.Glu390*) have been determined to be pathogenic (PMID: 24902757). This suggests that this is a clinically significant region of the protein, and that variants that disrupt it are likely to be disease-causing. For these reasons, this variant has been classified as Pathogenic.

Literature cited by the submitters: PubMed 24902757.